The following is an entry in ClinVar:

ClinVar aggregate classification (germline): Uncertain significance (1 of 4 stars; one submission).

Conditions:
Hereditary cancer-predisposing syndrome. Also called: Neoplastic Syndromes, Hereditary; Tumor predisposition; Hereditary Cancer Syndrome; Hereditary neoplastic syndrome. Identifiers: Orphanet 140162, MedGen C0027672, MeSH D009386, MONDO:0015356.

Submission:

Ambry Genetics
Classification: Uncertain significance for Hereditary cancer-predisposing syndrome. Last evaluated: 2026-07-28. Review status: criteria provided, single submitter. Criteria: Ambry Variant Classification Scheme 2023. Collection method: clinical testing. Allele origin: germline.
Comment: The p.G1074R variant (also known as c.3220G>C), located in coding exon 27 of the TSC2 gene, results from a G to C substitution at nucleotide position 3220. The glycine at codon 1074 is replaced by arginine, an amino acid with dissimilar properties. This amino acid position is conserved. In addition, this alteration is predicted to be deleterious by in silico analysis. Based on the available evidence, the clinical significance of this variant remains unclear.

NM_000548.5(TSC2):c.3220G>C (p.Gly1074Arg)

Gene: TSC2 (TSC complex subunit 2; plus strand). Cytogenetic location: 16p13.3.
Variant type: single nucleotide variant.
Coding change: c.3220G>C on transcript NM_000548.5 (MANE Select); coding-DNA position 3220, G replaced by C.
Protein change: p.Gly1074Arg; replaces glycine 1074 with arginine.
Molecular consequence: missense variant. On other transcripts: non-coding transcript variant (5).
Genome position (GRCh38, 1-based): chr16:2,079,364, G>C. VCF-style: chr16-2079364-G-C. GRCh37 (hg19) VCF-style: chr16-2129365-G-C.
Other names: c.3088G>C, p.Gly1030Arg (NM_001077183.3, NM_001370404.1, NM_001406665.1); c.3220G>C, p.Gly1074Arg (NM_001114382.3); c.2980G>C, p.Gly994Arg (NM_001318827.2); c.2944G>C, p.Gly982Arg (NM_001318829.2); c.2488G>C, p.Gly830Arg (NM_001318831.2, NM_001406687.1, NM_001406688.1); c.3121G>C, p.Gly1041Arg (NM_001318832.2); c.3091G>C, p.Gly1031Arg (NM_001363528.2, NM_021055.3, NM_001370405.1); c.3073G>C, p.Gly1025Arg (NM_001406675.1); and 18 more; short protein forms G1037R, G1061R, G626R, G873R, G982R, G1024R, G1027R, G583R.
Identifiers: ClinVar variation 4556236 (VCV004556236.2).